The following is an entry in ClinVar:

ClinVar aggregate classification (germline): Uncertain significance (1 of 4 stars; one submission).

Submission:

Labcorp Genetics (formerly Invitae), Labcorp
Classification: Uncertain significance. Last evaluated: 2021-12-31. Review status: criteria provided, single submitter. Criteria: Invitae Variant Classification Sherloc (09022015). Collection method: clinical testing. Allele origin: germline.
Comment: This variant has not been reported in the literature in individuals affected with CAD-related conditions. In summary, the available evidence is currently insufficient to determine the role of this variant in disease. Therefore, it has been classified as a Variant of Uncertain Significance. Algorithms developed to predict the effect of missense changes on protein structure and function are either unavailable or do not agree on the potential impact of this missense change (SIFT: "Deleterious"; PolyPhen-2: "Possibly Damaging"; Align-GVGD: "Class C0"). This variant is not present in population databases (gnomAD no frequency). This sequence change replaces isoleucine, which is neutral and non-polar, with methionine, which is neutral and non-polar, at codon 525 of the CAD protein (p.Ile525Met).

NM_004341.5(CAD):c.1575C>G (p.Ile525Met)

Gene: CAD (carbamoyl-phosphate synthetase 2, aspartate transcarbamylase, and dihydroorotase; plus strand). Cytogenetic location: 2p23.3.
Variant type: single nucleotide variant.
Coding change: c.1575C>G on transcript NM_004341.5 (MANE Select); coding-DNA position 1575, C replaced by G.
Protein change: p.Ile525Met; replaces isoleucine 525 with methionine.
Molecular consequence: missense variant.
Genome position (GRCh38, 1-based): chr2:27,225,198, C>G. VCF-style: chr2-27225198-C-G. GRCh37 (hg19) VCF-style: chr2-27448066-C-G.
Other names: c.1575C>G, p.Ile525Met (NM_001306079.2); short protein forms I525M.
Identifiers: ClinVar variation 1462403 (VCV001462403.6), dbSNP rs542073634, ClinGen allele CA346205129.